The following is an entry in ClinVar:

NM_153252.5(BRWD3):c.3227A>G (p.Glu1076Gly)

Gene: BRWD3 (bromodomain and WD repeat domain containing 3; minus strand). Cytogenetic location: Xq21.1.
Variant type: single nucleotide variant.
Coding change: c.3227A>G on transcript NM_153252.5 (MANE Select); coding-DNA position 3227, A replaced by G.
Protein change: p.Glu1076Gly; replaces glutamic acid 1076 with glycine.
Molecular consequence: missense variant.
Genome position (GRCh38, 1-based): chrX:80,692,976, T>C on the plus strand (A>G on the coding strand, the complement: BRWD3 is on the minus strand). VCF-style: chrX-80692976-T-C. GRCh37 (hg19) VCF-style: chrX-79948475-T-C.
Other names: c.3077A>G, p.Glu1026Gly (NM_001441339.1); short protein forms E1026G, E1076G.
Identifiers: ClinVar variation 4804753 (VCV004804753.1).
Genomic context (GRCh38, chrX:80,692,976, plus strand): 5'-ATAAAAGATCATAAACATACTTACTGAACACTGTAACACTGGAAAGAACTATCAGGATAC[T>C]CTGGTTGAAAAGGCTGCTGACTCTCCACAGTCCCAAACCACCAGGCGTCATCTATTATAC-3'
Protein context (NP_694984.5, residues 1066-1086): TVESQQPFQP[Glu1076Gly]YPDSSFQCYS

ClinVar aggregate classification (germline): Uncertain significance (1 of 4 stars; one submission).

Submission:

Labcorp Genetics (formerly Invitae), Labcorp
Classification: Uncertain significance. Last evaluated: 2025-09-29. Review status: criteria provided, single submitter. Criteria: Invitae Variant Classification Sherloc (09022015). Collection method: clinical testing. Allele origin: germline.
Comment: This sequence change replaces glutamic acid, which is acidic and polar, with glycine, which is neutral and non-polar, at codon 1076 of the BRWD3 protein (p.Glu1076Gly). This variant is not present in population databases (gnomAD no frequency). This variant has not been reported in the literature in individuals affected with BRWD3-related conditions. Invitae Evidence Modeling of protein sequence and biophysical properties (such as structural, functional, and spatial information, amino acid conservation, physicochemical variation, residue mobility, and thermodynamic stability) indicates that this missense variant is expected to disrupt BRWD3 protein function with a positive predictive value of 80%. Algorithms developed to predict the effect of sequence changes on RNA splicing suggest that this variant may disrupt the consensus splice site. In summary, the available evidence is currently insufficient to determine the role of this variant in disease. Therefore, it has been classified as a Variant of Uncertain Significance.